The following is an entry in ClinVar:

NM_004393.6(DAG1):c.2195C>T (p.Pro732Leu)

Gene: DAG1 (dystroglycan 1; plus strand). Cytogenetic location: 3p21.31.
Variant type: single nucleotide variant.
Coding change: c.2195C>T on transcript NM_004393.6 (MANE Select); coding-DNA position 2195, C replaced by T.
Protein change: p.Pro732Leu; replaces proline 732 with leucine.
Molecular consequence: missense variant.
Genome position (GRCh38, 1-based): chr3:49,532,706, C>T. VCF-style: chr3-49532706-C-T. GRCh37 (hg19) VCF-style: chr3-49570139-C-T.
Other names: c.2195C>T, p.Pro732Leu (NM_001177643.3, NM_001177644.3, NM_001165928.4 and 9 more transcripts); short protein forms P732L.
Identifiers: ClinVar variation 1421706 (VCV001421706.8), dbSNP rs148514520, ClinGen allele CA2399225.

ClinVar aggregate classification (germline): Uncertain significance (1 of 4 stars; one submission).

Conditions:
Autosomal recessive limb-girdle muscular dystrophy type 2P. Also called: MUSCULAR DYSTROPHY-DYSTROGLYCANOPATHY, LIMB-GIRDLE, DAG1-RELATED; Limb-Girdle Muscular Dystrophy Type 9C; MUSCULAR DYSTROPHY, LIMB-GIRDLE, TYPE 2P. Identifiers: Orphanet 280333, MedGen C4511963, MONDO:0013440, OMIM 613818.
Muscular dystrophy-dystroglycanopathy (congenital with brain and eye anomalies), type A9. Also called: WALKER-WARBURG SYNDROME OR MUSCLE-EYE BRAIN DISEASE, DAG1-RELATED; Muscular dystrophy-dystroglycanopathy (congenital with brain and eye anomalies), type a, 9. Identifiers: Orphanet 370997, Orphanet 899, MedGen C4225291, MONDO:0014683, OMIM 616538.

Allele frequency attached by ClinVar (database versions not stated): gnomAD 0.00001; gnomAD exomes 0.00001 and 0.00002; TOPMed 0.00002; ExAC 0.00003; ESP Exome Variant Server 0.00008.
gnomAD v4.1: 10 of 1,614,020 alleles (0.00062%); highest among the groups gnomAD compares: Admixed American, 0.0017%; no homozygotes.

Submission:

Labcorp Genetics (formerly Invitae), Labcorp
Classification: Uncertain significance for Autosomal recessive limb-girdle muscular dystrophy type 2P; Muscular dystrophy-dystroglycanopathy (congenital with brain and eye anomalies), type A9. Last evaluated: 2022-09-06. Review status: criteria provided, single submitter. Criteria: Invitae Variant Classification Sherloc (09022015). Collection method: clinical testing. Allele origin: germline.
Comment: This sequence change replaces proline, which is neutral and non-polar, with leucine, which is neutral and non-polar, at codon 732 of the DAG1 protein (p.Pro732Leu). This variant is present in population databases (rs148514520, gnomAD 0.006%). This variant has not been reported in the literature in individuals affected with DAG1-related conditions. ClinVar contains an entry for this variant (Variation ID: 1421706). Algorithms developed to predict the effect of missense changes on protein structure and function (SIFT, PolyPhen-2, Align-GVGD) all suggest that this variant is likely to be tolerated. In summary, the available evidence is currently insufficient to determine the role of this variant in disease. Therefore, it has been classified as a Variant of Uncertain Significance.